The following is an entry in ClinVar:

ClinVar aggregate classification (germline): Uncertain significance. Review status: criteria provided, multiple submitters, no conflicts (2 of 4 stars). 3 submissions from 3 submitters: Uncertain significance (3). Last evaluated 2025-10-07.

Allele frequency attached by ClinVar (database versions not stated): ExAC 0.00003; gnomAD 0.00005; TOPMed 0.00008; 1000 Genomes Project 30x 0.00016; 1000 Genomes Project 0.00020.
gnomAD v4.1: 37 of 1,612,364 alleles (0.0023%); highest among the groups gnomAD compares: Middle Eastern, 0.017%; no homozygotes.

Submissions (3):

Labcorp Genetics (formerly Invitae), Labcorp
Classification: Uncertain significance. Last evaluated: 2025-10-07. Review status: criteria provided, single submitter. Criteria: Invitae Variant Classification Sherloc (09022015). Collection method: clinical testing. Allele origin: germline.
Comment: This sequence change replaces valine, which is neutral and non-polar, with glycine, which is neutral and non-polar, at codon 92 of the IL17RD protein (p.Val92Gly). This variant is present in population databases (rs572315698, gnomAD 0.01%). This variant has not been reported in the literature in individuals affected with IL17RD-related conditions. ClinVar contains an entry for this variant (Variation ID: 2359936). Invitae Evidence Modeling of protein sequence and biophysical properties (such as structural, functional, and spatial information, amino acid conservation, physicochemical variation, residue mobility, and thermodynamic stability) indicates that this missense variant is not expected to disrupt IL17RD protein function with a negative predictive value of 80%. In summary, the available evidence is currently insufficient to determine the role of this variant in disease. Therefore, it has been classified as a Variant of Uncertain Significance.

GeneDx
Classification: Uncertain significance. Last evaluated: 2025-06-12. Review status: criteria provided, single submitter. Criteria: GeneDx Variant Classification Process June 2021. Collection method: clinical testing. Allele origin: germline. Affected: yes.
Comment: In silico analysis suggests that this missense variant does not alter protein structure/function; Has not been previously published as pathogenic or benign to our knowledge

Ambry Genetics
Classification: Uncertain significance. Last evaluated: 2021-10-29. Review status: criteria provided, single submitter. Criteria: Ambry Variant Classification Scheme 2023. Collection method: clinical testing. Allele origin: germline.

NM_017563.5(IL17RD):c.275T>G (p.Val92Gly)

Gene: IL17RD (interleukin 17 receptor D; minus strand). Cytogenetic location: 3p14.3.
Variant type: single nucleotide variant.
Coding change: c.275T>G on transcript NM_017563.5 (MANE Select); coding-DNA position 275, T replaced by G.
Protein change: p.Val92Gly; replaces valine 92 with glycine.
Molecular consequence: missense variant. On other transcripts: 5 prime UTR variant (1).
Genome position (GRCh38, 1-based): chr3:57,114,727, A>C on the plus strand (T>G on the coding strand, the complement: IL17RD is on the minus strand). VCF-style: chr3-57114727-A-C. GRCh37 (hg19) VCF-style: chr3-57148755-A-C.
Other names: c.275T>G, p.Val92Gly (NM_001080973.1); c.-158T>G (NM_001318864.2); short protein forms V92G.
Identifiers: ClinVar variation 2359936 (VCV002359936.4), dbSNP rs572315698, ClinGen allele CA2463123.